The following is an entry in ClinVar:

ClinVar aggregate classification (germline): Uncertain significance (1 of 4 stars; one submission).

Conditions:
Ulnar-mammary syndrome (UMS). Also called: SCHINZEL SYNDROME; PALLISTER ULNAR-MAMMARY SYNDROME; Ulnar-mammary syndrome of Pallister. Identifiers: Orphanet 3138, MedGen C1866994, MONDO:0008411, OMIM 181450.

gnomAD v4.1: 5 of 1,613,850 alleles (0.00031%); highest among the groups gnomAD compares: East Asian, 0.0045%; no homozygotes.

Submission:

Labcorp Genetics (formerly Invitae), Labcorp
Classification: Uncertain significance for Ulnar-mammary syndrome. Last evaluated: 2025-01-20. Review status: criteria provided, single submitter. Criteria: Invitae Variant Classification Sherloc (09022015). Collection method: clinical testing. Allele origin: germline.
Comment: This sequence change replaces arginine, which is basic and polar, with tryptophan, which is neutral and slightly polar, at codon 169 of the TBX3 protein (p.Arg169Trp). This variant is not present in population databases (gnomAD no frequency). This variant has not been reported in the literature in individuals affected with TBX3-related conditions. An algorithm developed to predict the effect of missense changes on protein structure and function (PolyPhen-2) suggests that this variant is likely to be disruptive. In summary, the available evidence is currently insufficient to determine the role of this variant in disease. Therefore, it has been classified as a Variant of Uncertain Significance.

NM_005996.4(TBX3):c.505C>T (p.Arg169Trp)

Gene: TBX3 (T-box transcription factor 3; minus strand). Cytogenetic location: 12q24.21.
Variant type: single nucleotide variant.
Coding change: c.505C>T on transcript NM_005996.4 (MANE Select); coding-DNA position 505, C replaced by T.
Protein change: p.Arg169Trp; replaces arginine 169 with tryptophan.
Molecular consequence: missense variant.
Genome position (GRCh38, 1-based): chr12:114,681,031, G>A on the plus strand (C>T on the coding strand, the complement: TBX3 is on the minus strand). VCF-style: chr12-114681031-G-A. GRCh37 (hg19) VCF-style: chr12-115118836-G-A.
Other names: c.505C>T, p.Arg169Trp (NM_016569.4); short protein forms R169W.
Identifiers: ClinVar variation 3701754 (VCV003701754.2).